The following is an entry in ClinVar:

NM_000051.4(ATM):c.8669T>G (p.Leu2890Arg)

Genes: ATM (ATM serine/threonine kinase; plus strand), C11orf65 (chromosome 11 open reading frame 65; minus strand). Cytogenetic location: 11q22.3.
Variant type: single nucleotide variant.
Coding change: c.8669T>G on transcript NM_000051.4 (MANE Select); coding-DNA position 8669, T replaced by G.
Protein change: p.Leu2890Arg; replaces leucine 2890 with arginine.
Molecular consequence: missense variant. On other transcripts: intron variant (2).
Genome position (GRCh38, 1-based): chr11:108,347,363, T>G. VCF-style: chr11-108347363-T-G. GRCh37 (hg19) VCF-style: chr11-108218090-T-G.
Other names: c.8669T>G, p.Leu2890Arg (NM_001351834.2); c.641-38292A>C (NM_001330368.2); c.695-12071A>C (NM_001351110.2); short protein forms L2890R.
Identifiers: ClinVar variation 2883533 (VCV002883533.3), dbSNP rs2088565976, ClinGen allele CA382521335.

ClinVar aggregate classification (germline): Uncertain significance (1 of 4 stars; one submission).

Conditions:
Ataxia-telangiectasia syndrome (AT). Also called: ATAXIA-TELANGIECTASIA, COMPLEMENTATION GROUP A; ATAXIA-TELANGIECTASIA, FRESNO VARIANT; Ataxia-telangiectasia; Ataxia-telangiectasia, complementation group E; LOUIS-BAR SYNDROME; Cerebello-oculocutaneous telangiectasia. Identifiers: Orphanet 100, MedGen C0004135, MONDO:0008840, OMIM 208900.

Submission:

Labcorp Genetics (formerly Invitae), Labcorp
Classification: Uncertain significance for Ataxia-telangiectasia syndrome. Last evaluated: 2025-12-10. Review status: criteria provided, single submitter. Criteria: Invitae Variant Classification Sherloc (09022015). Collection method: clinical testing. Allele origin: germline.
Comment: This sequence change replaces leucine, which is neutral and non-polar, with arginine, which is basic and polar, at codon 2890 of the ATM protein (p.Leu2890Arg). This variant is not present in population databases (gnomAD no frequency). This variant has not been reported in the literature in individuals affected with ATM-related conditions. ClinVar contains an entry for this variant (Variation ID: 2883533). An algorithm developed to predict the effect of missense changes on protein structure and function (PolyPhen-2) suggests that this variant is likely to be disruptive. In summary, the available evidence is currently insufficient to determine the role of this variant in disease. Therefore, it has been classified as a Variant of Uncertain Significance.